The following is an entry in ClinVar:

NM_004523.4(KIF11):c.730C>T (p.His244Tyr)

Gene: KIF11 (kinesin family member 11; plus strand). Cytogenetic location: 10q23.33.
Variant type: single nucleotide variant.
Coding change: c.730C>T on transcript NM_004523.4 (MANE Select); coding-DNA position 730, C replaced by T.
Protein change: p.His244Tyr; replaces histidine 244 with tyrosine.
Molecular consequence: missense variant.
Genome position (GRCh38, 1-based): chr10:92,613,071, C>T. VCF-style: chr10-92613071-C-T. GRCh37 (hg19) VCF-style: chr10-94372828-C-T.
Other names: short protein forms H244Y.
Identifiers: ClinVar variation 2735454 (VCV002735454.3), dbSNP rs2492489516, ClinGen allele CA377590026.

ClinVar aggregate classification (germline): Uncertain significance (1 of 4 stars; one submission).

Submission:

Labcorp Genetics (formerly Invitae), Labcorp
Classification: Uncertain significance. Last evaluated: 2023-12-12. Review status: criteria provided, single submitter. Criteria: Invitae Variant Classification Sherloc (09022015). Collection method: clinical testing. Allele origin: germline.
Comment: This sequence change replaces histidine, which is basic and polar, with tyrosine, which is neutral and polar, at codon 244 of the KIF11 protein (p.His244Tyr). This variant is not present in population databases (gnomAD no frequency). This missense change has been observed in individual(s) with congenital microcephaly and chorioretinopathy with or without lymphedema (PMID: 25115524, 26566857). In at least one individual the variant was observed to be de novo. Advanced modeling of protein sequence and biophysical properties (such as structural, functional, and spatial information, amino acid conservation, physicochemical variation, residue mobility, and thermodynamic stability) performed at Invitae indicates that this missense variant is not expected to disrupt KIF11 protein function with a negative predictive value of 80%. In summary, the available evidence is currently insufficient to determine the role of this variant in disease. Therefore, it has been classified as a Variant of Uncertain Significance.

Literature cited by the submitters: PubMed 25115524; PubMed 26566857.